The following is an entry in ClinVar:

NM_024675.4(PALB2):c.1725G>T (p.Trp575Cys)

Gene: PALB2 (partner and localizer of BRCA2; minus strand). Cytogenetic location: 16p12.2.
Variant type: single nucleotide variant.
Coding change: c.1725G>T on transcript NM_024675.4 (MANE Select); coding-DNA position 1725, G replaced by T.
Protein change: p.Trp575Cys; replaces tryptophan 575 with cysteine.
Molecular consequence: missense variant. On other transcripts: 5 prime UTR variant (2), intron variant (1).
Genome position (GRCh38, 1-based): chr16:23,630,429, C>A on the plus strand (G>T on the coding strand, the complement: PALB2 is on the minus strand). VCF-style: chr16-23630429-C-A. GRCh37 (hg19) VCF-style: chr16-23641750-C-A.
Other names: c.1665G>T, p.Trp555Cys (NM_001407296.1); c.1725G>T, p.Trp575Cys (NM_001407297.1, NM_001407298.1, NM_001407299.1 and 3 more transcripts); c.840G>T, p.Trp280Cys (NM_001407304.1, NM_001407305.1, NM_001407306.1 and 5 more transcripts); c.-64G>T (NM_001407312.1, NM_001407313.1); c.49-1154G>T (NM_001407314.1); short protein forms W575C, W280C, W555C.
Identifiers: ClinVar variation 2832384 (VCV002832384.3), dbSNP rs2142390682, ClinGen allele CA395128359.
Genomic context (GRCh38, chr16:23,630,429, plus strand): 5'-ATCCCTATGAAATGGAGCCGTGAAAGCATCATCATCCAAGGATAAATAAGCACTATTACT[C>A]CAAGAAAGGGAATCCTCTTTTTGATGACGACTTTTCTTCCCTAAAGAAGAAAAATAAGTC-3'
Protein context (NP_078951.2, residues 565-585): SRHQKEDSLS[Trp575Cys]SNSAYLSLDD

ClinVar aggregate classification (germline): Uncertain significance (1 of 4 stars; one submission).

Conditions:
Familial cancer of breast. Also called: hereditary breast carcinoma; BREAST CANCER, FAMILIAL; Hereditary breast cancer. Identifiers: Orphanet 227535, MedGen C0346153, MONDO:0016419, OMIM 114480. Disease mechanism: loss of function.

Submission:

Labcorp Genetics (formerly Invitae), Labcorp
Classification: Uncertain significance for Familial cancer of breast. Last evaluated: 2023-01-28. Review status: criteria provided, single submitter. Criteria: Invitae Variant Classification Sherloc (09022015). Collection method: clinical testing. Allele origin: germline.
Comment: In summary, the available evidence is currently insufficient to determine the role of this variant in disease. Therefore, it has been classified as a Variant of Uncertain Significance. Algorithms developed to predict the effect of sequence changes on RNA splicing suggest that this variant may create or strengthen a splice site. Advanced modeling of protein sequence and biophysical properties (such as structural, functional, and spatial information, amino acid conservation, physicochemical variation, residue mobility, and thermodynamic stability) performed at Invitae indicates that this missense variant is not expected to disrupt PALB2 protein function. This variant has not been reported in the literature in individuals affected with PALB2-related conditions. This variant is not present in population databases (gnomAD no frequency). This sequence change replaces tryptophan, which is neutral and slightly polar, with cysteine, which is neutral and slightly polar, at codon 575 of the PALB2 protein (p.Trp575Cys).